The following is an entry in ClinVar:

ClinVar aggregate classification (germline): Uncertain significance (1 of 4 stars; one submission).

Conditions:
Neuroblastoma, susceptibility to, 3. Also called: ALK-Related Neuroblastic Tumor Susceptibility. Identifiers: Orphanet 635, MedGen C2751681, MONDO:0013083, OMIM 613014.

Submission:

Labcorp Genetics (formerly Invitae), Labcorp
Classification: Uncertain significance for Neuroblastoma, susceptibility to, 3. Last evaluated: 2022-12-26. Review status: criteria provided, single submitter. Criteria: Invitae Variant Classification Sherloc (09022015). Collection method: clinical testing. Allele origin: germline.
Comment: This variant is not present in population databases (gnomAD no frequency). This sequence change creates a premature translational stop signal (p.Trp915Valfs*33) in the ALK gene. It is expected to result in an absent or disrupted protein product. However, the current clinical and genetic evidence is not sufficient to establish whether loss-of-function variants in ALK cause disease. In summary, the available evidence is currently insufficient to determine the role of this variant in disease. Therefore, it has been classified as a Variant of Uncertain Significance. Algorithms developed to predict the effect of sequence changes on RNA splicing suggest that this variant may disrupt the consensus splice site. This variant has not been reported in the literature in individuals affected with ALK-related conditions.

NM_004304.5(ALK):c.2742dup (p.Trp915fs)

Gene: ALK (ALK receptor tyrosine kinase; minus strand). Cytogenetic location: 2p23.2.
Variant type: Duplication.
Coding change: c.2742dup on transcript NM_004304.5 (MANE Select); coding-DNA position 2742, one base duplicated (G; older notation c.2742dupG).
Protein change: p.Trp915fs; shifts the reading frame from tryptophan 915.
Molecular consequence: frameshift variant.
Genome position (GRCh38, 1-based): chr2:29,228,957, C duplicated on the plus strand (G on the coding strand, the reverse complement: ALK is on the minus strand); the first of 5 consecutive C bases (chr2:29,228,957-29,228,961); duplicating any one gives the same sequence. VCF-style (leftmost placement, unchanged base first): chr2-29228956-A-AC. GRCh37 (hg19) VCF-style: chr2-29451822-A-AC.
Other names: short protein forms W915fs.
Identifiers: ClinVar variation 2824371 (VCV002824371.3), dbSNP rs1664100862, ClinGen allele CA1241093852.